The following is an entry in ClinVar:

ClinVar aggregate classification (germline): Conflicting classifications of pathogenicity. Review status: criteria provided, conflicting classifications (1 of 4 stars). 2 submissions from 2 submitters: Uncertain significance (1); Likely benign (1). Last evaluated 2023-03-23.

Conditions:
Hereditary cancer-predisposing syndrome. Also called: Hereditary neoplastic syndrome; Neoplastic Syndromes, Hereditary; Tumor predisposition; Hereditary Cancer Syndrome. Identifiers: Orphanet 140162, MedGen C0027672, MeSH D009386, MONDO:0015356.
Hereditary breast ovarian cancer syndrome. Also called: BRCA1- and BRCA2-Associated Hereditary Breast and Ovarian Cancer; Hereditary breast and ovarian cancer syndrome; Hereditary breast and ovarian cancer; Hereditary breast and ovarian cancer syndrome (HBOC); Hereditary breast and/or ovarian cancer syndrome; Breast and ovarian cancer. Identifiers: Orphanet 145, MedGen C0677776, MeSH D061325, MONDO:0003582. Disease mechanism: loss of function.

Submissions (2):

University of Washington Department of Laboratory Medicine, University of Washington
Classification: Likely benign for Hereditary cancer-predisposing syndrome. Last evaluated: 2023-03-23. Review status: criteria provided, single submitter. Criteria: Dines et al. (Genet Med. 2020). Collection method: curation. Allele origin: germline.
Comment: Missense variant in a coldspot region where missense variants are very unlikely to be pathogenic (PMID:31911673).

BRCA1 coldspot (exon 11 using historical exon numbering). Reclassification based on statistical prior probability

Labcorp Genetics (formerly Invitae), Labcorp
Classification: Uncertain significance for Hereditary breast ovarian cancer syndrome. Last evaluated: 2018-05-06. Review status: criteria provided, single submitter. Criteria: Invitae Variant Classification Sherloc (09022015). Collection method: clinical testing. Allele origin: germline.
Comment: Algorithms developed to predict the effect of missense changes on protein structure and function do not agree on the potential impact of this missense change (SIFT: "Tolerated"; PolyPhen-2: "Possibly Damaging"; Align-GVGD: "Class C0"). This variant has not been reported in the literature in individuals with BRCA1-related disease. This variant is not present in population databases (ExAC no frequency). This sequence change replaces alanine with aspartic acid at codon 344 of the BRCA1 protein (p.Ala344Asp). The alanine residue is moderately conserved and there is a moderate physicochemical difference between alanine and aspartic acid. In summary, the available evidence is currently insufficient to determine the role of this variant in disease. Therefore, it has been classified as a Variant of Uncertain Significance.

NM_007294.4(BRCA1):c.1031C>A (p.Ala344Asp)

Gene: BRCA1 (BRCA1 DNA repair associated; minus strand). Cytogenetic location: 17q21.31.
Variant type: single nucleotide variant.
Coding change: c.1031C>A on transcript NM_007294.4 (MANE Select); coding-DNA position 1031, C replaced by A.
Protein change: p.Ala344Asp; replaces alanine 344 with aspartic acid.
Molecular consequence: missense variant. On other transcripts: intron variant (137).
Genome position (GRCh38, 1-based): chr17:43,094,500, G>T on the plus strand (C>A on the coding strand, the complement: BRCA1 is on the minus strand). VCF-style: chr17-43094500-G-T. GRCh37 (hg19) VCF-style: chr17-41246517-G-T.
Other names: c.1031C>A, p.Ala344Asp (NM_001407639.1, NM_001407640.1, NM_001407641.1 and 30 more transcripts); c.890C>A, p.Ala297Asp (NM_001407751.1, NM_001407752.1, NM_001407850.1 and 29 more transcripts); c.887C>A, p.Ala296Asp (NM_001407838.1, NM_001407839.1, NM_001407841.1 and 20 more transcripts); c.1028C>A, p.Ala343Asp (NM_001407644.1, NM_001407645.1, NM_001407860.1 and 22 more transcripts); c.1022C>A, p.Ala341Asp (NM_001407646.1, NM_001407647.1); c.818C>A, p.Ala273Asp (NM_001407853.1, NM_001407894.1, NM_001407895.1 and 9 more transcripts); c.908C>A, p.Ala303Asp (NM_001407648.1, NM_001407863.1, NM_001407664.1 and 19 more transcripts); c.905C>A, p.Ala302Asp (NM_001407649.1, NM_001407670.1, NM_001407671.1 and 11 more transcripts); and 40 more; short protein forms A344D, A297D, A176D, A216D, A217D, A232D, A255D, A296D.
Identifiers: ClinVar variation 565976 (VCV000565976.12), dbSNP rs876658636, ClinGen allele CA10599996.